The following is an entry in ClinVar:

ClinVar aggregate classification (germline): Uncertain significance (1 of 4 stars; one submission).

Conditions:
Glycogen storage disease, type VII (GSD7). Also called: MUSCLE PHOSPHOFRUCTOKINASE DEFICIENCY; PFKM DEFICIENCY; TARUI DISEASE; GSD VII. Identifiers: Orphanet 371, MedGen C0017926, MONDO:0009295, OMIM 232800.

Submission:

Labcorp Genetics (formerly Invitae), Labcorp
Classification: Uncertain significance for Glycogen storage disease, type VII. Last evaluated: 2022-03-12. Review status: criteria provided, single submitter. Criteria: Invitae Variant Classification Sherloc (09022015). Collection method: clinical testing. Allele origin: germline.
Comment: In summary, the available evidence is currently insufficient to determine the role of this variant in disease. Therefore, it has been classified as a Variant of Uncertain Significance. This sequence change replaces isoleucine, which is neutral and non-polar, with methionine, which is neutral and non-polar, at codon 751 of the PFKM protein (p.Ile751Met). Algorithms developed to predict the effect of missense changes on protein structure and function are either unavailable or do not agree on the potential impact of this missense change (SIFT: "Deleterious"; PolyPhen-2: "Probably Damaging"; Align-GVGD: "Class C0"). This variant has not been reported in the literature in individuals affected with PFKM-related conditions. This variant is not present in population databases (gnomAD no frequency).

NM_000289.6(PFKM):c.2253C>G (p.Ile751Met)

Gene: PFKM (phosphofructokinase, muscle; plus strand). Cytogenetic location: 12q13.11.
Variant type: single nucleotide variant.
Coding change: c.2253C>G on transcript NM_000289.6 (MANE Select); coding-DNA position 2253, C replaced by G.
Protein change: p.Ile751Met; replaces isoleucine 751 with methionine.
Molecular consequence: missense variant. On other transcripts: non-coding transcript variant (6).
Genome position (GRCh38, 1-based): chr12:48,145,618, C>G. VCF-style: chr12-48145618-C-G. GRCh37 (hg19) VCF-style: chr12-48539401-C-G.
Other names: c.2466C>G, p.Ile822Met (NM_001166686.2, NM_001354737.1, NM_001354738.1 and 1 more transcripts); c.2253C>G, p.Ile751Met (NM_001166687.2, NM_001166688.2, NM_001354742.2 and 2 more transcripts); c.2562C>G, p.Ile854Met (NM_001354735.1, NM_001354736.1); c.2397C>G, p.Ile799Met (NM_001354740.1); c.2277C>G, p.Ile759Met (NM_001354741.2); c.2166C>G, p.Ile722Met (NM_001354745.2); c.2127C>G, p.Ile709Met (NM_001354746.2); c.2103C>G, p.Ile701Met (NM_001354747.2, NM_001354748.2); and 1 more; short protein forms I751M, I854M, I701M, I720M, I759M, I722M, I822M, I709M.
Identifiers: ClinVar variation 2110324 (VCV002110324.4), dbSNP rs370779782, ClinGen allele CA384556369.